The following is an entry in ClinVar:

NM_175875.5(SIX5):c.1582C>G (p.Leu528Val)

Gene: SIX5 (SIX homeobox 5; minus strand). Cytogenetic location: 19q13.32.
Variant type: single nucleotide variant.
Coding change: c.1582C>G on transcript NM_175875.5 (MANE Select); coding-DNA position 1582, C replaced by G.
Protein change: p.Leu528Val; replaces leucine 528 with valine.
Molecular consequence: missense variant.
Genome position (GRCh38, 1-based): chr19:45,766,377, G>C on the plus strand (C>G on the coding strand, the complement: SIX5 is on the minus strand). VCF-style: chr19-45766377-G-C. GRCh37 (hg19) VCF-style: chr19-46269635-G-C.
Other names: short protein forms L528V.
Identifiers: ClinVar variation 452194 (VCV000452194.6), dbSNP rs780053382, ClinGen allele CA9520598.
Genomic context (GRCh38, chr19:45,766,377, plus strand): 5'-TCACCTAGGCCTGAGGGAGGGAGATGGGGGTACCTGGGGCAGTGGCCGAAGGCAGCTGCA[G>C]GGCAGTCACGCCCACCCCGGAGTTGATGAGGTGCACATTGGCAGGGCCTGCTGCAGCTGC-3'
Protein context (NP_787071.3, residues 518-538): LINSGVGVTA[Leu528Val]QLPSATAPGN

ClinVar aggregate classification (germline): Conflicting classifications of pathogenicity. Review status: criteria provided, conflicting classifications (1 of 4 stars). 2 submissions from 2 submitters: Uncertain significance (1); Likely benign (1). Last evaluated 2025-02-17.

Allele frequency attached by ClinVar (database versions not stated): gnomAD exomes 0.00004; gnomAD 0.00005 and 0.00006; TOPMed 0.00005; ExAC 0.00016.
gnomAD v4.1: 204 of 1,590,720 alleles (0.013%); highest among the groups gnomAD compares: Non-Finnish European, 0.017%; 1 homozygote.

Submissions (2):

Labcorp Genetics (formerly Invitae), Labcorp
Classification: Uncertain significance. Last evaluated: 2025-02-17. Review status: criteria provided, single submitter. Criteria: Invitae Variant Classification Sherloc (09022015). Collection method: clinical testing. Allele origin: germline.
Comment: This sequence change replaces leucine, which is neutral and non-polar, with valine, which is neutral and non-polar, at codon 528 of the SIX5 protein (p.Leu528Val). This variant is present in population databases (rs780053382, gnomAD 0.01%). This variant has not been reported in the literature in individuals affected with SIX5-related conditions. ClinVar contains an entry for this variant (Variation ID: 452194). Invitae Evidence Modeling of protein sequence and biophysical properties (such as structural, functional, and spatial information, amino acid conservation, physicochemical variation, residue mobility, and thermodynamic stability) indicates that this missense variant is not expected to disrupt SIX5 protein function with a negative predictive value of 80%. In summary, the available evidence is currently insufficient to determine the role of this variant in disease. Therefore, it has been classified as a Variant of Uncertain Significance.

GeneDx
Classification: Likely benign. Last evaluated: 2021-02-25. Review status: criteria provided, single submitter. Criteria: GeneDx Variant Classification Process June 2021. Collection method: clinical testing. Allele origin: germline. Affected: yes.
Comment: In silico analysis supports that this missense variant does not alter protein structure/function; Has not been previously published as pathogenic or benign to our knowledge